The following is an entry in ClinVar:

NM_012084.4(GLUD2):c.1063C>T (p.His355Tyr)

Gene: GLUD2 (glutamate dehydrogenase 2; plus strand). Cytogenetic location: Xq24.
Variant type: single nucleotide variant.
Coding change: c.1063C>T on transcript NM_012084.4 (MANE Select); coding-DNA position 1063, C replaced by T.
Protein change: p.His355Tyr; replaces histidine 355 with tyrosine.
Molecular consequence: missense variant.
Genome position (GRCh38, 1-based): chrX:121,048,747, C>T. VCF-style: chrX-121048747-C-T. GRCh37 (hg19) VCF-style: chrX-120182601-C-T.
Other names: c.1063C>T (NM_012084.3); short protein forms H355Y.
Identifiers: ClinVar variation 2661342 (VCV002661342.25), dbSNP rs756544884, ClinGen allele CA10506587.

ClinVar aggregate classification (germline): Conflicting classifications of pathogenicity. Review status: criteria provided, conflicting classifications (1 of 4 stars). 2 submissions from 2 submitters: Uncertain significance (1); Likely benign (1). Last evaluated 2025-03-06.

Allele frequency attached by ClinVar (database versions not stated): ExAC 0.00009; TOPMed 0.00009; gnomAD 0.00011; gnomAD exomes 0.00019.

Submissions (2):

Ambry Genetics
Classification: Uncertain significance. Last evaluated: 2025-03-06. Review status: criteria provided, single submitter. Criteria: Ambry Variant Classification Scheme 2023. Collection method: clinical testing. Allele origin: germline.

CeGaT Center for Human Genetics Tuebingen
Classification: Likely benign. Last evaluated: 2023-01-01. Review status: criteria provided, single submitter. Criteria: CeGaT Center For Human Genetics Tuebingen Variant Classification Criteria Version 2. Collection method: clinical testing. Allele origin: germline. Affected: yes. Observed: 1 variant allele.
Comment: GLUD2: BS2